The following is an entry in ClinVar:

NM_024854.5(PYROXD1):c.22_23delinsTG (p.Pro8Trp)

Genes: PYROXD1 (pyridine nucleotide-disulphide oxidoreductase domain 1; plus strand), LOC130007527 (ATAC-STARR-seq lymphoblastoid active region 6087; plus strand). Cytogenetic location: 12p12.1.
Variant type: Indel.
Coding change: c.22_23delinsTG on transcript NM_024854.5 (MANE Select); coding-DNA positions 22 to 23, CC replaced by TG.
Protein change: p.Pro8Trp; replaces proline 8 with tryptophan.
Molecular consequence: missense variant. On other transcripts: 5 prime UTR variant (1).
Genome position (GRCh38, 1-based): chr12:21,437,752-21,437,753, CC replaced by TG. VCF-style: chr12-21437752-CC-TG. GRCh37 (hg19) VCF-style: chr12-21590686-CC-TG.
Other names: c.-682_-681delinsTG (NM_001350913.2); short protein forms P8W.
Identifiers: ClinVar variation 4725144 (VCV004725144.1).
Genomic context (GRCh38, chr12:21,437,752, plus strand): 5'-CCGCCGCGATATTCAGTAAACCACTGGGAGTCCGGCAGCATGGAGGCAGCGCGCCCTCCC[CC>TG]GACGGCAGGGAAGTTCGTGGTGGTCGGCGGCGGCATCGCGGGCGTCACTTGTGCGGAGCA-3'
Protein context (NP_079130.2, residues 1-18): MEAARPP[Pro8Trp]TAGKFVVVGG

ClinVar aggregate classification (germline): Uncertain significance (1 of 4 stars; one submission).

Submission:

Labcorp Genetics (formerly Invitae), Labcorp
Classification: Uncertain significance. Last evaluated: 2025-08-17. Review status: criteria provided, single submitter. Criteria: Invitae Variant Classification Sherloc (09022015). Collection method: clinical testing. Allele origin: germline.
Comment: This sequence change replaces proline, which is neutral and non-polar, with tryptophan, which is neutral and slightly polar, at codon 8 of the PYROXD1 protein (p.Pro8Trp). Information on the frequency of this variant in the gnomAD database is not available, as this variant may be reported differently in the database. This variant has not been reported in the literature in individuals affected with PYROXD1-related conditions. An algorithm developed to predict the effect of missense changes on protein structure and function (PolyPhen-2) suggests that this variant is likely to be tolerated. In summary, the available evidence is currently insufficient to determine the role of this variant in disease. Therefore, it has been classified as a Variant of Uncertain Significance.